The following is an entry in ClinVar:

NM_004826.4(ECEL1):c.1802_1803del (p.Leu601fs)

Gene: ECEL1 (endothelin converting enzyme like 1; minus strand). Cytogenetic location: 2q37.1.
Variant type: Microsatellite.
Coding change: c.1802_1803del on transcript NM_004826.4 (MANE Select); coding-DNA positions 1802 to 1803, 2 bases deleted (TC; older notation c.1802_1803delTC).
Protein change: p.Leu601fs; shifts the reading frame from leucine 601.
Molecular consequence: frameshift variant.
Genome position (GRCh38, 1-based): chr2:232,481,843-232,481,844, GA deleted on the plus strand (TC on the coding strand, the reverse complement: ECEL1 is on the minus strand); deleting any 2 consecutive bases within chr2:232,481,843-232,481,848 gives the same sequence; the c. name uses the placement nearest the transcript's 3' end. VCF-style (leftmost placement, unchanged base first): chr2-232481842-TGA-T. GRCh37 (hg19) VCF-style: chr2-233346552-TGA-T.
Other names: c.1796_1797del, p.Leu599fs (NM_001290787.2); short protein forms L599fs, L601fs.
Identifiers: ClinVar variation 1300733 (VCV001300733.2), dbSNP rs2106183039, ClinGen allele CA2580616745.
Genomic context (GRCh38, chr2:232,481,842, plus strand): 5'-CCCAGTCGTCGTAGCCGTGGGTCAGCTCATGTCCAATGATGGTGCCGATGCCCCCGTAGT[TGA>T]GAGACCTGGGCCCACAGCAGCAGCATCAGGCCCTAGCCCTCCACCCTCTGAGAGCCCCAT-3'

ClinVar aggregate classification (germline): Pathogenic (1 of 4 stars; one submission).

Submission:

GeneDx
Classification: Pathogenic. Last evaluated: 2021-07-09. Review status: criteria provided, single submitter. Criteria: GeneDx Variant Classification Process June 2021. Collection method: clinical testing. Allele origin: germline. Affected: yes.
Comment: Frameshift variant predicted to result in protein truncation or nonsense mediated decay in a gene for which loss-of-function is a known mechanism of disease; Not observed at significant frequency in large population cohorts (Lek et al., 2016); Has not been previously published as pathogenic or benign to our knowledge; This variant is associated with the following publications: (PMID: 27535533)